The following is an entry in ClinVar:

ClinVar aggregate classification (germline): Uncertain significance (1 of 4 stars; one submission).

Conditions:
Familial thoracic aortic aneurysm and aortic dissection (TAAD). Also called: Thoracic aortic aneurysms and dissections. Identifiers: Orphanet 91387, MedGen C4707243, MONDO:0019625.

gnomAD v4.1: 1 of 1,607,952 alleles (0.000062%); highest among the groups gnomAD compares: African/African-American, 0.0013%; no homozygotes.

Submission:

Ambry Genetics
Classification: Uncertain significance for Familial thoracic aortic aneurysm and aortic dissection. Last evaluated: 2025-05-05. Review status: criteria provided, single submitter. Criteria: Ambry Variant Classification Scheme 2023. Collection method: clinical testing. Allele origin: germline.
Comment: The p.I908M variant (also known as c.2724C>G), located in coding exon 17 of the NOTCH1 gene, results from a C to G substitution at nucleotide position 2724. The isoleucine at codon 908 is replaced by methionine, an amino acid with highly similar properties. This amino acid position is conserved. In addition, this alteration is predicted to be tolerated by in silico analysis. Based on the available evidence, the clinical significance of this variant remains unclear.

NM_017617.5(NOTCH1):c.2724C>G (p.Ile908Met)

Gene: NOTCH1 (notch receptor 1; minus strand). Cytogenetic location: 9q34.3.
Variant type: single nucleotide variant.
Coding change: c.2724C>G on transcript NM_017617.5 (MANE Select); coding-DNA position 2724, C replaced by G.
Protein change: p.Ile908Met; replaces isoleucine 908 with methionine.
Molecular consequence: missense variant.
Genome position (GRCh38, 1-based): chr9:136,510,669, G>C on the plus strand (C>G on the coding strand, the complement: NOTCH1 is on the minus strand). VCF-style: chr9-136510669-G-C. GRCh37 (hg19) VCF-style: chr9-139405121-G-C.
Other names: short protein forms I908M.
Identifiers: ClinVar variation 3921055 (VCV003921055.1).